The following is an entry in ClinVar:

NM_018163.3(DNAJC17):c.452G>C (p.Arg151Pro)

Gene: DNAJC17 (DnaJ heat shock protein family (Hsp40) member C17; minus strand). Cytogenetic location: 15q15.1.
Variant type: single nucleotide variant.
Coding change: c.452G>C on transcript NM_018163.3 (MANE Select); coding-DNA position 452, G replaced by C.
Protein change: p.Arg151Pro; replaces arginine 151 with proline.
Molecular consequence: missense variant.
Genome position (GRCh38, 1-based): chr15:40,776,222, C>G on the plus strand (G>C on the coding strand, the complement: DNAJC17 is on the minus strand). VCF-style: chr15-40776222-C-G. GRCh37 (hg19) VCF-style: chr15-41068420-C-G.
Other names: c.452G>C (NM_018163.2); short protein forms R151P.
Identifiers: ClinVar variation 4722205 (VCV004722205.2).

ClinVar aggregate classification (germline): Uncertain significance. Review status: criteria provided, multiple submitters, no conflicts (2 of 4 stars). 2 submissions from 2 submitters: Uncertain significance (2). Last evaluated 2025-12-16.

Submissions (2):

Ambry Genetics
Classification: Uncertain significance. Last evaluated: 2025-12-16. Review status: criteria provided, single submitter. Criteria: Ambry Variant Classification Scheme 2023. Collection method: clinical testing. Allele origin: germline.

Labcorp Genetics (formerly Invitae), Labcorp
Classification: Uncertain significance. Last evaluated: 2025-06-27. Review status: criteria provided, single submitter. Criteria: Invitae Variant Classification Sherloc (09022015). Collection method: clinical testing. Allele origin: germline.
Comment: This sequence change replaces arginine, which is basic and polar, with proline, which is neutral and non-polar, at codon 151 of the DNAJC17 protein (p.Arg151Pro). This variant is not present in population databases (gnomAD no frequency). This variant has not been reported in the literature in individuals affected with DNAJC17-related conditions. An algorithm developed to predict the effect of missense changes on protein structure and function (PolyPhen-2) suggests that this variant is likely to be tolerated. In summary, the available evidence is currently insufficient to determine the role of this variant in disease. Therefore, it has been classified as a Variant of Uncertain Significance.